The following is an entry in ClinVar:

NM_004415.4(DSP):c.742A>G (p.Ile248Val)

Gene: DSP (desmoplakin; plus strand). Cytogenetic location: 6p24.3.
Variant type: single nucleotide variant.
Coding change: c.742A>G on transcript NM_004415.4 (MANE Select); coding-DNA position 742, A replaced by G.
Protein change: p.Ile248Val; replaces isoleucine 248 with valine.
Molecular consequence: missense variant.
Genome position (GRCh38, 1-based): chr6:7,563,751, A>G. VCF-style: chr6-7563751-A-G. GRCh37 (hg19) VCF-style: chr6-7563984-A-G.
Other names: c.742A>G, p.Ile248Val (NM_001008844.3, NM_001319034.2, NM_001406591.1); short protein forms I248V.
Identifiers: ClinVar variation 2952500 (VCV002952500.3), dbSNP rs2533867005, ClinGen allele CA362673679.

ClinVar aggregate classification (germline): Uncertain significance (1 of 4 stars; one submission).

Conditions:
Arrhythmogenic cardiomyopathy with wooly hair and keratoderma. Also called: PALMOPLANTAR KERATODERMA WITH LEFT VENTRICULAR CARDIOMYOPATHY AND WOOLLY HAIR; Carvajal syndrome; Arrhythmogenic cardiomyopathy with woolly hair and keratoderma; Dilated cardiomyopathy with woolly hair and keratoderma. Identifiers: Orphanet 65282, MedGen C1854063, MONDO:0011581, OMIM 605676.
Arrhythmogenic right ventricular dysplasia 8 (ARVD8). Also called: Arrhythmogenic Right Ventricular Dysplasia/Cardiomyopathy 8; ARRHYTHMOGENIC RIGHT VENTRICULAR DYSPLASIA, FAMILIAL, 8; ARRHYTHMOGENIC RIGHT VENTRICULAR CARDIOMYOPATHY 8. Identifiers: MedGen C1843896, MONDO:0011831, OMIM 607450.

Submission:

Labcorp Genetics (formerly Invitae), Labcorp
Classification: Uncertain significance for Arrhythmogenic cardiomyopathy with wooly hair and keratoderma; Arrhythmogenic right ventricular dysplasia 8. Last evaluated: 2024-07-26. Review status: criteria provided, single submitter. Criteria: Invitae Variant Classification Sherloc (09022015). Collection method: clinical testing. Allele origin: germline.
Comment: This sequence change replaces isoleucine, which is neutral and non-polar, with valine, which is neutral and non-polar, at codon 248 of the DSP protein (p.Ile248Val). This variant is not present in population databases (gnomAD no frequency). This variant has not been reported in the literature in individuals affected with DSP-related conditions. Experimental studies and prediction algorithms are not available or were not evaluated, and the functional significance of this variant is currently unknown. In summary, the available evidence is currently insufficient to determine the role of this variant in disease. Therefore, it has been classified as a Variant of Uncertain Significance.